The following is an entry in ClinVar:

ClinVar aggregate classification (germline): Benign (1 of 4 stars; one submission).

Conditions:
Landau-Kleffner syndrome (FESD). Also called: EPILEPSY, FOCAL, WITH SPEECH DISORDER AND WITH OR WITHOUT MENTAL RETARDATION; APHASIA, ACQUIRED, WITH EPILEPSY. Identifiers: Orphanet 1945, Orphanet 725, Orphanet 98818, MedGen C0282512, MONDO:0009509, OMIM 245570.

Allele frequency attached by ClinVar (database versions not stated): gnomAD 0.01423 and 0.01340; TOPMed 0.01574; 1000 Genomes Project 30x 0.01608; 1000 Genomes Project 0.01458.
gnomAD v4.1: 2,316 of 250,696 alleles (0.92%); highest among the groups gnomAD compares: African/African-American, 4.5%; 56 homozygotes.

Submission:

Illumina Laboratory Services, Illumina
Classification: Benign for Landau-Kleffner syndrome. Last evaluated: 2018-01-12. Review status: criteria provided, single submitter. Criteria: ICSL Variant Classification Criteria 13 December 2019. Collection method: clinical testing. Allele origin: germline.
Comment: This variant was observed in the ICSL laboratory as part of a predisposition screen in an ostensibly healthy population. It had not been previously curated by ICSL or reported in the Human Gene Mutation Database (HGMD: prior to June 1st, 2018), and was therefore a candidate for classification through an automated scoring system. Utilizing variant allele frequency, disease prevalence and penetrance estimates, and inheritance mode, an automated score was calculated to assess if this variant is too frequent to cause the disease. Based on the score and internal cut-off values, a variant classified as benign is not then subjected to further curation. The score for this variant resulted in a classification of benign for this disease.

NM_001134407.3(GRIN2A):c.*490G>A

Gene: GRIN2A (glutamate ionotropic receptor NMDA type subunit 2A; minus strand). Cytogenetic location: 16p13.2.
Variant type: single nucleotide variant.
Coding change: c.*490G>A on transcript NM_001134407.3 (MANE Select); 490 bases downstream of the stop codon, G replaced by A.
Molecular consequence: 3 prime UTR variant.
Genome position (GRCh38, 1-based): chr16:9,762,659, C>T on the plus strand (G>A on the coding strand, the complement: GRIN2A is on the minus strand). VCF-style: chr16-9762659-C-T. GRCh37 (hg19) VCF-style: chr16-9856516-C-T.
Other names: c.*490G>A (NM_000833.5); c.*696G>A (NM_001134408.2).
Identifiers: ClinVar variation 321594 (VCV000321594.5), dbSNP rs9937910, ClinGen allele CA10648496.